The following is an entry in ClinVar:

ClinVar aggregate classification (germline): Uncertain significance (1 of 4 stars; one submission).

Submission:

Labcorp Genetics (formerly Invitae), Labcorp
Classification: Uncertain significance. Last evaluated: 2024-09-06. Review status: criteria provided, single submitter. Criteria: Invitae Variant Classification Sherloc (09022015). Collection method: clinical testing. Allele origin: germline.
Comment: This sequence change replaces lysine, which is basic and polar, with asparagine, which is neutral and polar, at codon 18 of the LIG1 protein (p.Lys18Asn). This variant is not present in population databases (gnomAD no frequency). This variant has not been reported in the literature in individuals affected with LIG1-related conditions. ClinVar contains an entry for this variant (Variation ID: 2104766). An algorithm developed to predict the effect of missense changes on protein structure and function (PolyPhen-2) suggests that this variant is likely to be disruptive. Algorithms developed to predict the effect of sequence changes on RNA splicing suggest that this variant may disrupt the consensus splice site. In summary, the available evidence is currently insufficient to determine the role of this variant in disease. Therefore, it has been classified as a Variant of Uncertain Significance.

NM_000234.3(LIG1):c.54G>T (p.Lys18Asn)

Gene: LIG1 (DNA ligase 1; minus strand). Cytogenetic location: 19q13.33.
Variant type: single nucleotide variant.
Coding change: c.54G>T on transcript NM_000234.3 (MANE Select); coding-DNA position 54, G replaced by T.
Protein change: p.Lys18Asn; replaces lysine 18 with asparagine.
Molecular consequence: missense variant. On other transcripts: non-coding transcript variant (2), intron variant (2).
Genome position (GRCh38, 1-based): chr19:48,162,315, C>A on the plus strand (G>T on the coding strand, the complement: LIG1 is on the minus strand). VCF-style: chr19-48162315-C-A. GRCh37 (hg19) VCF-style: chr19-48665572-C-A.
Other names: c.54G>T, p.Lys18Asn (NM_001289064.2, NM_001320970.2); c.18-808G>T (NM_001289063.2, NM_001320971.2); short protein forms K18N.
Identifiers: ClinVar variation 2104766 (VCV002104766.4), dbSNP rs2514341206, ClinGen allele CA406643565.